The following is an entry in ClinVar:

NM_001378418.1(TCF20):c.103G>A (p.Ala35Thr)

Gene: TCF20 (transcription factor 20; minus strand). Cytogenetic location: 22q13.2.
Variant type: single nucleotide variant.
Coding change: c.103G>A on transcript NM_001378418.1 (MANE Select); coding-DNA position 103, G replaced by A.
Protein change: p.Ala35Thr; replaces alanine 35 with threonine.
Molecular consequence: missense variant.
Genome position (GRCh38, 1-based): chr22:42,215,203, C>T on the plus strand (G>A on the coding strand, the complement: TCF20 is on the minus strand). VCF-style: chr22-42215203-C-T. GRCh37 (hg19) VCF-style: chr22-42611209-C-T.
Other names: c.103G>A, p.Ala35Thr (NM_005650.4, NM_181492.3); short protein forms A35T.
Identifiers: ClinVar variation 3896139 (VCV003896139.2).
Genomic context (GRCh38, chr22:42,215,203, plus strand): 5'-TGCCACTGCCACTGCTGCCACTACTGCCACCTGTACCTCCAAAATTCTGGAACATCTGGG[C>T]CTGACGAGGGCTGAACTCTTCTAGCCGGGATGAGCCGTGTACCTCCTGTGGGTAGCTTTG-3'
Protein context (NP_001365347.1, residues 25-45): SRLEEFSPRQ[Ala35Thr]QMFQNFGGTG

ClinVar aggregate classification (germline): Uncertain significance (1 of 4 stars; one submission).

gnomAD v4.1: 4 of 1,614,196 alleles (0.00025%); highest among the groups gnomAD compares: South Asian, 0.0044%; no homozygotes.

Submission:

Women's Health and Genetics/Laboratory Corporation of America, LabCorp
Classification: Uncertain significance. Last evaluated: 2025-04-30. Review status: criteria provided, single submitter. Criteria: LabCorp Variant Classification Summary - May 2015. Collection method: clinical testing. Allele origin: germline.
Comment: Variant summary: TCF20 c.103G>A (p.Ala35Thr) results in a non-conservative amino acid change in the encoded protein sequence. Three of five in-silico tools predict a damaging effect of the variant on protein function. The variant allele was found at a frequency of 8e-06 in 251458 control chromosomes. The available data on variant occurrences in the general population are insufficient to allow any conclusion about variant significance. To our knowledge, no occurrence of c.103G>A in individuals affected with Developmental Delay With Variable Intellectual Impairment And Behavioral Abnormalities and no experimental evidence demonstrating its impact on protein function have been reported. No submitters have cited clinical-significance assessments for this variant to ClinVar. Based on the evidence outlined above, the variant was classified as uncertain significance.